The following is an entry in ClinVar:

NM_001127178.3(PIGG):c.928C>T (p.Gln310Ter)

Gene: PIGG (phosphatidylinositol glycan anchor biosynthesis class G (EMM blood group); plus strand). Cytogenetic location: 4p16.3.
Variant type: single nucleotide variant.
Coding change: c.928C>T on transcript NM_001127178.3 (MANE Select); coding-DNA position 928, C replaced by T.
Protein change: p.Gln310Ter; replaces glutamine 310 with a stop codon.
Molecular consequence: nonsense. On other transcripts: 5 prime UTR variant (4), non-coding transcript variant (10).
Genome position (GRCh38, 1-based): chr4:515,999, C>T. VCF-style: chr4-515999-C-T. GRCh37 (hg19) VCF-style: chr4-509788-C-T.
Other names: c.661C>T, p.Gln221Ter (NM_001289051.2, NM_001289053.2, NM_001289057.2 and 2 more transcripts); c.529C>T, p.Gln177Ter (NM_001289052.2); c.562C>T, p.Gln188Ter (NM_001289055.2); c.-102C>T (NM_001345988.2); c.928C>T, p.Gln310Ter (NM_001345989.2, NM_017733.5); c.-698C>T (NM_001345990.2); c.-560C>T (NM_001345991.2); c.-285C>T (NM_001345994.2); short protein forms Q310*, Q188*, Q221*, Q177*.
Identifiers: ClinVar variation 225637 (VCV000225637.7), dbSNP rs869320772, ClinGen allele CA10576042.

ClinVar aggregate classification (germline): Pathogenic. Review status: criteria provided, multiple submitters, no conflicts (2 of 4 stars). 3 submissions from 3 submitters: Pathogenic (2). 1 of the submissions does not count toward it. Last evaluated 2025-03-11.

Conditions:
Intellectual disability, autosomal recessive 53 (NEDHSCA). Also called: GLYCOSYLPHOSPHATIDYLINOSITOL BIOSYNTHESIS DEFECT 13; Mental retardation, autosomal recessive 53; NEURODEVELOPMENTAL DISORDER WITH OR WITHOUT HYPOTONIA, SEIZURES, AND CEREBELLAR ATROPHY. Identifiers: Orphanet 488635, MedGen C4310794, MONDO:0014832, OMIM 616917.

Allele frequency attached by ClinVar (database versions not stated): TOPMed below 0.00001; gnomAD exomes below 0.00001; gnomAD 0.00001.

Submissions (3):

Labcorp Genetics (formerly Invitae), Labcorp
Classification: Pathogenic for Intellectual disability, autosomal recessive 53. Last evaluated: 2025-03-11. Review status: criteria provided, single submitter. Criteria: Invitae Variant Classification Sherloc (09022015). Collection method: clinical testing. Allele origin: germline.
Comment: This sequence change creates a premature translational stop signal (p.Gln310*) in the PIGG gene. It is expected to result in an absent or disrupted protein product. Loss-of-function variants in PIGG are known to be pathogenic (PMID: 26996948, 28581210, 28771251). This variant is not present in population databases (gnomAD no frequency). This premature translational stop signal has been observed in individual(s) with PIGG-related conditions (PMID: 26996948). It has also been observed to segregate with disease in related individuals. ClinVar contains an entry for this variant (Variation ID: 225637). For these reasons, this variant has been classified as Pathogenic.

3billion
Classification: Pathogenic for Intellectual disability, autosomal recessive 53. Last evaluated: 2024-12-05. Review status: criteria provided, single submitter. Criteria: ACMG Guidelines, 2015. Collection method: clinical testing. Allele origin: germline. Affected: yes.
Comment: The variant is observed at an extremely low frequency in the gnomAD v4.1.0 dataset (total allele frequency: <0.001%). Predicted Consequence/Location: Stop-gained (nonsense): predicted to result in a loss or disruption of normal protein function through nonsense-mediated decay (NMD) or protein truncation. Multiple pathogenic variants are reported downstream of the variant. The variant has been reported at least twice as pathogenic without evidence for the classification (ClinVar ID: VCV000225637 /PMID: 26996948). Therefore, this variant is classified as Pathogenic according to the recommendation of ACMG/AMP guideline.

OMIM
Classification: Pathogenic for NEURODEVELOPMENTAL DISORDER WITH OR WITHOUT HYPOTONIA, SEIZURES, AND CEREBELLAR ATROPHY. Last evaluated: 2023-01-20. Review status: no assertion criteria provided. Collection method: literature only. Allele origin: germline. Not counted in ClinVar's aggregate classification.

Literature cited by the submitters: PubMed 26996948 (cited by 3 submitters); PubMed 28581210 (cited by Labcorp Genetics (formerly Invitae), Labcorp); PubMed 28771251 (cited by Labcorp Genetics (formerly Invitae), Labcorp).